The following is an entry in ClinVar:

NM_000051.4(ATM):c.8327T>A (p.Ile2776Asn)

Genes: ATM (ATM serine/threonine kinase; plus strand), C11orf65 (chromosome 11 open reading frame 65; minus strand). Cytogenetic location: 11q22.3.
Variant type: single nucleotide variant.
Coding change: c.8327T>A on transcript NM_000051.4 (MANE Select); coding-DNA position 8327, T replaced by A.
Protein change: p.Ile2776Asn; replaces isoleucine 2776 with asparagine.
Molecular consequence: missense variant. On other transcripts: intron variant (2).
Genome position (GRCh38, 1-based): chr11:108,343,280, T>A. VCF-style: chr11-108343280-T-A. GRCh37 (hg19) VCF-style: chr11-108214007-T-A.
Other names: c.8327T>A, p.Ile2776Asn (NM_001351834.2); c.641-34209A>T (NM_001330368.2); c.695-7988A>T (NM_001351110.2); short protein forms I2776N.
Identifiers: ClinVar variation 822299 (VCV000822299.14), dbSNP rs746475628, ClinGen allele CA382516409.

ClinVar aggregate classification (germline): Uncertain significance. Review status: criteria provided, multiple submitters, no conflicts (2 of 4 stars). 2 submissions from 2 submitters: Uncertain significance (2). Last evaluated 2022-11-22.

Conditions:
Hereditary cancer-predisposing syndrome. Also called: Tumor predisposition; Neoplastic Syndromes, Hereditary; Hereditary Cancer Syndrome; Hereditary neoplastic syndrome. Identifiers: Orphanet 140162, MedGen C0027672, MeSH D009386, MONDO:0015356.
Ataxia-telangiectasia syndrome (AT). Also called: ATAXIA-TELANGIECTASIA, COMPLEMENTATION GROUP A; ATAXIA-TELANGIECTASIA, FRESNO VARIANT; Ataxia-telangiectasia; Ataxia-telangiectasia, complementation group D; AT, COMPLEMENTATION GROUP C; Ataxia-telangiectasia, complementation group E. Identifiers: Orphanet 100, MedGen C0004135, MONDO:0008840, OMIM 208900.

Submissions (2):

Labcorp Genetics (formerly Invitae), Labcorp
Classification: Uncertain significance for Ataxia-telangiectasia syndrome. Last evaluated: 2022-11-22. Review status: criteria provided, single submitter. Criteria: Invitae Variant Classification Sherloc (09022015). Collection method: clinical testing. Allele origin: germline.
Comment: This variant is not present in population databases (gnomAD no frequency). This sequence change replaces isoleucine, which is neutral and non-polar, with asparagine, which is neutral and polar, at codon 2776 of the ATM protein (p.Ile2776Asn). This variant has not been reported in the literature in individuals affected with ATM-related conditions. In summary, the available evidence is currently insufficient to determine the role of this variant in disease. Therefore, it has been classified as a Variant of Uncertain Significance. Algorithms developed to predict the effect of missense changes on protein structure and function (SIFT, PolyPhen-2, Align-GVGD) all suggest that this variant is likely to be disruptive. ClinVar contains an entry for this variant (Variation ID: 822299).

Ambry Genetics
Classification: Uncertain significance for Hereditary cancer-predisposing syndrome. Last evaluated: 2021-07-16. Review status: criteria provided, single submitter. Criteria: Ambry Variant Classification Scheme 2023. Collection method: clinical testing. Allele origin: germline.
Comment: The p.I2776N variant (also known as c.8327T>A), located in coding exon 56 of the ATM gene, results from a T to A substitution at nucleotide position 8327. The isoleucine at codon 2776 is replaced by asparagine, an amino acid with dissimilar properties. This amino acid position is highly conserved in available vertebrate species. In addition, this alteration is predicted to be deleterious by in silico analysis. Since supporting evidence is limited at this time, the clinical significance of this alteration remains unclear.